The following is an entry in ClinVar:

NM_014009.4(FOXP3):c.1129C>G (p.His377Asp)

Gene: FOXP3 (forkhead box P3; minus strand). Cytogenetic location: Xp11.23.
Variant type: single nucleotide variant.
Coding change: c.1129C>G on transcript NM_014009.4 (MANE Select); coding-DNA position 1129, C replaced by G.
Protein change: p.His377Asp; replaces histidine 377 with aspartic acid.
Molecular consequence: missense variant.
Genome position (GRCh38, 1-based): chrX:49,251,681, G>C on the plus strand (C>G on the coding strand, the complement: FOXP3 is on the minus strand). VCF-style: chrX-49251681-G-C. GRCh37 (hg19) VCF-style: chrX-49108142-G-C.
Other names: c.1024C>G, p.His342Asp (NM_001114377.2); short protein forms H377D, H342D.
Identifiers: ClinVar variation 529767 (VCV000529767.11), dbSNP rs1557115591, ClinGen allele CA412948685.

ClinVar aggregate classification (germline): Uncertain significance (1 of 4 stars; one submission).

Conditions:
Insulin-dependent diabetes mellitus secretory diarrhea syndrome (IPEX). Also called: IPEX and IPEX-Like; DIABETES MELLITUS, CONGENITAL INSULIN-DEPENDENT, WITH FATAL SECRETORY DIARRHEA; DIARRHEA, POLYENDOCRINOPATHY, FATAL INFECTION SYNDROME, X-LINKED; ENTEROPATHY, AUTOIMMUNE, WITH HEMOLYTIC ANEMIA AND POLYENDOCRINOPATHY; Immune dysregulation-polyendocrinopathy-enteropathy-X-linked syndrome; Immunodysregulation, polyendocrinopathy, and enteropathy, X-linked. Identifiers: Orphanet 37042, MedGen C0342288, MONDO:0010580, OMIM 304790. Disease mechanism: loss of function.

Submission:

Labcorp Genetics (formerly Invitae), Labcorp
Classification: Uncertain significance for Insulin-dependent diabetes mellitus secretory diarrhea syndrome. Last evaluated: 2019-01-20. Review status: criteria provided, single submitter. Criteria: Invitae Variant Classification Sherloc (09022015). Collection method: clinical testing. Allele origin: germline.
Comment: In summary, the available evidence is currently insufficient to determine the role of this variant in disease. Therefore, it has been classified as a Variant of Uncertain Significance. Algorithms developed to predict the effect of missense changes on protein structure and function do not agree on the potential impact of this missense change (SIFT: "Tolerated"; PolyPhen-2: "Probably Damaging"; Align-GVGD: "Class C0"). This variant has not been reported in the literature in individuals with FOXP3-related disease. This variant is not present in population databases (ExAC no frequency). This sequence change replaces histidine with aspartic acid at codon 377 of the FOXP3 protein (p.His377Asp). The histidine residue is weakly conserved and there is a moderate physicochemical difference between histidine and aspartic acid.